The following is an entry in ClinVar:

ClinVar aggregate classification (germline): Uncertain significance (1 of 4 stars; one submission).

Conditions:
Neuropathy, hereditary sensory and autonomic, type 2A (HSAN2A). Also called: HSAN IIA; MORVAN DISEASE; NEUROPATHY, CONGENITAL SENSORY; NEUROPATHY, HEREDITARY SENSORY RADICULAR, AUTOSOMAL RECESSIVE; NEUROPATHY, HEREDITARY SENSORY, TYPE IIA; NEUROPATHY, PROGRESSIVE SENSORY, OF CHILDREN. Identifiers: Orphanet 970, MedGen C2752089, MONDO:0024309, OMIM 201300.
Generalized epilepsy with febrile seizures plus, type 7 (GEFSP7). Also called: GEFS+, TYPE 7. Identifiers: Orphanet 36387, MedGen C2751778, MONDO:0013470, OMIM 613863.

Submission:

Labcorp Genetics (formerly Invitae), Labcorp
Classification: Uncertain significance for Neuropathy, hereditary sensory and autonomic, type 2A; Generalized epilepsy with febrile seizures plus, type 7. Last evaluated: 2021-04-23. Review status: criteria provided, single submitter. Criteria: Invitae Variant Classification Sherloc (09022015). Collection method: clinical testing. Allele origin: germline.
Comment: This sequence change replaces serine with leucine at codon 959 of the SCN9A protein (p.Ser959Leu). The serine residue is highly conserved and there is a large physicochemical difference between serine and leucine. This variant is not present in population databases (ExAC no frequency). This variant has not been reported in the literature in individuals with SCN9A-related conditions. Algorithms developed to predict the effect of missense changes on protein structure and function (SIFT, PolyPhen-2, Align-GVGD) all suggest that this variant is likely to be disruptive, but these predictions have not been confirmed by published functional studies and their clinical significance is uncertain. In summary, the available evidence is currently insufficient to determine the role of this variant in disease. Therefore, it has been classified as a Variant of Uncertain Significance.

NM_001365536.1(SCN9A):c.2909C>T (p.Ser970Leu)

Genes: SCN1A-AS1 (SCN1A and SCN9A antisense RNA 1; plus strand), SCN9A (sodium voltage-gated channel alpha subunit 9; minus strand). Cytogenetic location: 2q24.3.
Variant type: single nucleotide variant.
Coding change: c.2909C>T on transcript NM_001365536.1 (MANE Select); coding-DNA position 2909, C replaced by T.
Protein change: p.Ser970Leu; replaces serine 970 with leucine.
Molecular consequence: missense variant.
Genome position (GRCh38, 1-based): chr2:166,272,841, G>A on the plus strand (C>T on the coding strand, the complement: SCN9A is on the minus strand). VCF-style: chr2-166272841-G-A. GRCh37 (hg19) VCF-style: chr2-167129351-G-A.
Other names: c.2876C>T, p.Ser959Leu (NM_002977.4); short protein forms S959L, S970L.
Identifiers: ClinVar variation 1347698 (VCV001347698.8), dbSNP rs2106461508, ClinGen allele CA349074934.